The following is an entry in ClinVar:

ClinVar aggregate classification (germline): Likely pathogenic. Review status: criteria provided, multiple submitters, no conflicts (2 of 4 stars). 3 submissions from 3 submitters: Likely pathogenic (3). Last evaluated 2024-11-12.

Conditions:
RAF1-related disorder. Also called: RAF1-related condition; RAF1-related disorders.
RASopathy. Also called: rasopathies; Noonan spectrum disorder. Identifiers: Orphanet 536391, MedGen C5555857, MONDO:0021060.

Submissions (3):

Labcorp Genetics (formerly Invitae), Labcorp
Classification: Likely pathogenic for RASopathy. Last evaluated: 2024-11-12. Review status: criteria provided, single submitter. Criteria: Invitae Variant Classification Sherloc (09022015). Collection method: clinical testing. Allele origin: germline.
Comment: This sequence change replaces asparagine, which is neutral and polar, with isoleucine, which is neutral and non-polar, at codon 262 of the RAF1 protein (p.Asn262Ile). This variant is not present in population databases (gnomAD no frequency). This missense change has been observed in individual(s) with clinical features of RAF1-related conditions (PMID: 24451042). ClinVar contains an entry for this variant (Variation ID: 181517). Invitae Evidence Modeling incorporating data from in vitro experimental studies (internal data) indicates that this missense variant is expected to disrupt RAF1 function with a positive predictive value of 95%. This variant disrupts the p.Asn262 amino acid residue in RAF1. Other variant(s) that disrupt this residue have been determined to be pathogenic (PMID: 20052757, 30732632). This suggests that this residue is clinically significant, and that variants that disrupt this residue are likely to be disease-causing. In summary, the currently available evidence indicates that the variant is pathogenic, but additional data are needed to prove that conclusively. Therefore, this variant has been classified as Likely Pathogenic.

GeneDx
Classification: Likely pathogenic. Last evaluated: 2023-04-17. Review status: criteria provided, single submitter. Criteria: GeneDx Variant Classification Process June 2021. Collection method: clinical testing. Allele origin: germline. Affected: yes.
Comment: Not observed at significant frequency in large population cohorts (gnomAD); In silico analysis supports that this missense variant has a deleterious effect on protein structure/function; Missense variants in this gene are often considered pathogenic (HGMD); This variant is associated with the following publications: (PMID: 24451042, 24957944, 9689060, 15520807, 17603483, 17603482, 29493581, 19020799)

Blueprint Genetics
Classification: Likely pathogenic for RAF1-related disorders. Last evaluated: 2017-08-09. Review status: criteria provided, single submitter. Criteria: ACMG Guidelines, 2015. Collection method: clinical testing. Allele origin: germline. Affected: yes. Observed: 1 variant allele.

Literature cited by the submitters: PubMed 24451042 (cited by Labcorp Genetics (formerly Invitae), Labcorp); PubMed 20052757 (cited by Labcorp Genetics (formerly Invitae), Labcorp); PubMed 30732632 (cited by Labcorp Genetics (formerly Invitae), Labcorp).

NM_002880.4(RAF1):c.785A>T (p.Asn262Ile)

Gene: RAF1 (Raf-1 proto-oncogene, serine/threonine kinase; minus strand). Cytogenetic location: 3p25.2.
Variant type: single nucleotide variant.
Coding change: c.785A>T on transcript NM_002880.4 (MANE Select); coding-DNA position 785, A replaced by T.
Protein change: p.Asn262Ile; replaces asparagine 262 with isoleucine.
Molecular consequence: missense variant. On other transcripts: non-coding transcript variant (3).
Genome position (GRCh38, 1-based): chr3:12,604,185, T>A on the plus strand (A>T on the coding strand, the complement: RAF1 is on the minus strand). VCF-style: chr3-12604185-T-A. GRCh37 (hg19) VCF-style: chr3-12645684-T-A.
Other names: p.N262I:AAT>ATT; c.785A>T, p.Asn262Ile (NM_001354689.3, NM_001354690.3); c.542A>T, p.Asn181Ile (NM_001354691.3, NM_001354692.3, NM_001354694.3); c.686A>T, p.Asn229Ile (NM_001354693.3); c.443A>T, p.Asn148Ile (NM_001354695.3); short protein forms N262I, N148I, N181I, N229I.
Identifiers: ClinVar variation 181517 (VCV000181517.14), dbSNP rs730881010, ClinGen allele CA297151.
Genomic context (GRCh38, chr3:12,604,185, plus strand): 5'-TGCCCTATTACCTCAATCATCCTGCTGTCCACAGGCAGGGTGGTGCTGACCATGTGGACA[T>A]TAGGTGTGGATGTCGACCTCTGCCTCTGGGAGAGGGAACCTTCAGATGAGGGACTGGAGG-3'
Protein context (NP_002871.1, residues 252-272): SQRQRSTSTP[Asn262Ile]VHMVSTTLPV